The following is an entry in ClinVar:

NM_015629.4(PRPF31):c.550_552del (p.Leu184del)

Gene: PRPF31 (pre-mRNA processing factor 31; plus strand). Cytogenetic location: 19q13.42.
Variant type: Deletion.
Coding change: c.550_552del on transcript NM_015629.4 (MANE Select); coding-DNA positions 550 to 552, 3 bases deleted (CTG; older notation c.550_552delCTG).
Protein change: p.Leu184del; deletes leucine 184.
Molecular consequence: inframe deletion.
Genome position (GRCh38, 1-based): chr19:54,123,771-54,123,773, CTG deleted; deleting any 3 consecutive bases within chr19:54,123,770-54,123,773 gives the same sequence; the c. name uses the placement nearest the transcript's 3' end. VCF-style (leftmost placement, unchanged base first): chr19-54123769-AGCT-A. GRCh37 (hg19) VCF-style: chr19-54627148-AGCT-A.
Other names: short protein forms L184del.
Identifiers: ClinVar variation 866923 (VCV000866923.5), dbSNP rs2073851643, ClinGen allele CA916083733.

ClinVar aggregate classification (germline): Uncertain significance. Review status: criteria provided, multiple submitters, no conflicts (2 of 4 stars). 2 submissions from 2 submitters: Uncertain significance (2). Last evaluated 2023-05-13.

Submissions (2):

Labcorp Genetics (formerly Invitae), Labcorp
Classification: Uncertain significance. Last evaluated: 2023-05-13. Review status: criteria provided, single submitter. Criteria: Invitae Variant Classification Sherloc (09022015). Collection method: clinical testing. Allele origin: germline.
Comment: This variant, c.550_552del, results in the deletion of 1 amino acid(s) of the PRPF31 protein (p.Leu184del), but otherwise preserves the integrity of the reading frame. In summary, the available evidence is currently insufficient to determine the role of this variant in disease. Therefore, it has been classified as a Variant of Uncertain Significance. Experimental studies and prediction algorithms are not available or were not evaluated, and the functional significance of this variant is currently unknown. ClinVar contains an entry for this variant (Variation ID: 866923). This variant has been observed in individual(s) with autosomal dominant retinitis pigmentosa (PMID: 30582903, 32014492). This variant is not present in population databases (gnomAD no frequency).

Blueprint Genetics
Classification: Uncertain significance. Last evaluated: 2018-01-02. Review status: criteria provided, single submitter. Criteria: ACMG Guidelines, 2015. Collection method: clinical testing. Allele origin: germline.

Literature cited by the submitters: PubMed 30582903 (cited by Labcorp Genetics (formerly Invitae), Labcorp); PubMed 32014492 (cited by Labcorp Genetics (formerly Invitae), Labcorp).